The following is an entry in ClinVar:

ClinVar aggregate classification (germline): Conflicting classifications of pathogenicity. Review status: criteria provided, conflicting classifications (1 of 4 stars). 2 submissions from 2 submitters: Uncertain significance (1); Likely benign (1). Last evaluated 2025-07-22.

Conditions:
Nephrolithiasis/nephrocalcinosis. Identifiers: MedGen CN580796.
Lowe syndrome (OCRL). Also called: LOWE OCULOCEREBRORENAL SYNDROME; PHOSPHATIDYLINOSITOL 4,5-BISPHOSPHATE 5-PHOSPHATASE DEFICIENCY; Oculocerebrorenal Syndrome. Identifiers: Orphanet 534, MedGen C0028860, MONDO:0010645, OMIM 309000.

Allele frequency attached by ClinVar (database versions not stated): gnomAD exomes below 0.00001 and 0.00002; TOPMed below 0.00001; ExAC 0.00001.
gnomAD v4.1: 4 of 1,205,170 alleles (0.00033%); highest among the groups gnomAD compares: Admixed American, 0.0087%; no homozygotes.

Submissions (2):

Labcorp Genetics (formerly Invitae), Labcorp
Classification: Likely benign for Lowe syndrome. Last evaluated: 2025-07-22. Review status: criteria provided, single submitter. Criteria: Invitae Variant Classification Sherloc (09022015). Collection method: clinical testing. Allele origin: germline.

Ambry Genetics
Classification: Uncertain significance for Nephrolithiasis/nephrocalcinosis. Last evaluated: 2017-10-12. Review status: criteria provided, single submitter. Criteria: Ambry Variant Classification Scheme 2023. Collection method: clinical testing. Allele origin: germline.
Comment: The p.N440K variant (also known as c.1320T>G), located in coding exon 13 of the OCRL gene, results from a T to G substitution at nucleotide position 1320. The asparagine at codon 440 is replaced by lysine, an amino acid with similar properties. This amino acid position is not well conserved in available vertebrate species. In addition, this alteration is predicted to be tolerated by in silico analysis. Since supporting evidence is limited at this time, the clinical significance of this alteration remains unclear.

NM_000276.4(OCRL):c.1320T>G (p.Asn440Lys)

Gene: OCRL (OCRL inositol polyphosphate-5-phosphatase; plus strand). Cytogenetic location: Xq26.1.
Variant type: single nucleotide variant.
Coding change: c.1320T>G on transcript NM_000276.4 (MANE Select); coding-DNA position 1320, T replaced by G.
Protein change: p.Asn440Lys; replaces asparagine 440 with lysine.
Molecular consequence: missense variant.
Genome position (GRCh38, 1-based): chrX:129,565,847, T>G. VCF-style: chrX-129565847-T-G. GRCh37 (hg19) VCF-style: chrX-128699824-T-G.
Other names: c.1323T>G, p.Asn441Lys (NM_001318784.2); c.1320T>G, p.Asn440Lys (NM_001587.4); short protein forms N440K, N441K.
Identifiers: ClinVar variation 1096614 (VCV001096614.11), dbSNP rs761140161, ClinGen allele CA10512165.